The following is an entry in ClinVar:

NM_020919.4(ALS2):c.492A>G (p.Ala164=)

Gene: ALS2 (alsin Rho guanine nucleotide exchange factor ALS2; minus strand). Cytogenetic location: 2q33.1.
Variant type: single nucleotide variant.
Coding change: c.492A>G on transcript NM_020919.4 (MANE Select); coding-DNA position 492, A replaced by G.
Protein change: p.Ala164=; no amino-acid change (alanine 164 retained).
Molecular consequence: synonymous variant.
Genome position (GRCh38, 1-based): chr2:201,761,502, T>C on the plus strand (A>G on the coding strand, the complement: ALS2 is on the minus strand). VCF-style: chr2-201761502-T-C. GRCh37 (hg19) VCF-style: chr2-202626225-T-C.
Other names: c.492A>G, p.Ala164= (NM_001135745.2, NM_001410975.1).
Identifiers: ClinVar variation 2195917 (VCV002195917.26), dbSNP rs776458373, ClinGen allele CA2058641.
Genomic context (GRCh38, chr2:201,761,502, plus strand): 5'-GGTAATGAGACCCAACTGACAACCGGTACCCCATGCCCAAATCTCTCTGCTTATTGACAA[T>C]GCCAGAGTGTGCTCCTCGCCACACGCCAACTGTAAAATCCTGACTGCTAACAAAGGGCTG-3'
Protein context (NP_065970.2, residues 154-174): QLACGEEHTL[Ala164=]LSISREIWAW

ClinVar aggregate classification (germline): Likely benign. Review status: criteria provided, multiple submitters, no conflicts (2 of 4 stars). 2 submissions from 2 submitters: Likely benign (2). Last evaluated 2024-11-11.

Conditions:
Infantile-onset ascending hereditary spastic paralysis (IAHSP). Also called: Infantile-Onset Ascending Hereditary Spastic Paralysis (IAHSP); Autosomal Recessive Juvenile Amyotrophic Lateral Sclerosis. Identifiers: Orphanet 293168, MedGen C2931441, MONDO:0011797, OMIM 607225. Disease mechanism: loss of function.

Allele frequency attached by ClinVar (database versions not stated): gnomAD 0.00001; gnomAD exomes 0.00001; TOPMed 0.00002; ExAC 0.00004; 1000 Genomes Project 30x 0.00016.
gnomAD v4.1: 14 of 1,613,120 alleles (0.00087%); highest among the groups gnomAD compares: Admixed American, 0.0017%; no homozygotes.

Submissions (2):

Labcorp Genetics (formerly Invitae), Labcorp
Classification: Likely benign for Infantile-onset ascending hereditary spastic paralysis. Last evaluated: 2024-11-11. Review status: criteria provided, single submitter. Criteria: Invitae Variant Classification Sherloc (09022015). Collection method: clinical testing. Allele origin: germline.

CeGaT Center for Human Genetics Tuebingen
Classification: Likely benign. Last evaluated: 2024-02-01. Review status: criteria provided, single submitter. Criteria: CeGaT Center For Human Genetics Tuebingen Variant Classification Criteria Version 2. Collection method: clinical testing. Allele origin: germline. Affected: yes. Observed: 1 variant allele.
Comment: ALS2: BP4, BP7